The following is an entry in ClinVar:

NM_000551.4(VHL):c.*3523T>G

Genes: VHL (von Hippel-Lindau tumor suppressor; plus strand), LOC107303340 (3p25 von Hippel-Lindau tumor suppressor, E3 ubiquitin protein ligase Alu-mediated recombination region; plus strand). Cytogenetic location: 3p25.3.
Variant type: single nucleotide variant.
Coding change: c.*3523T>G on transcript NM_000551.4 (MANE Select); 3523 bases downstream of the stop codon, T replaced by G.
Molecular consequence: 3 prime UTR variant.
Genome position (GRCh38, 1-based): chr3:10,153,488, T>G. VCF-style: chr3-10153488-T-G. GRCh37 (hg19) VCF-style: chr3-10195172-T-G.
Other names: c.*3523T>G (NM_198156.3); c.*3719T>G (NM_001354723.2).
Identifiers: ClinVar variation 342507 (VCV000342507.5), dbSNP rs17610448, ClinGen allele CA10616794.
Genomic context (GRCh38, chr3:10,153,488, plus strand): 5'-TCAAAAAGAAACCAAAAAAACAAAAAAAAAACATGCCGTTTGAGTACTGTGTTTTTGGTG[T>G]TGTCCAAGGAAAATTAAAAACCTGTAGCATGAATAATGTTTGTTTTTCATTTCGAATCTT-3'

ClinVar aggregate classification (germline): Benign (1 of 4 stars; one submission).

Conditions:
Von Hippel-Lindau syndrome (VHLS). Also called: Von Hippel-Lindau; von Hippel–Lindau syndrome; VHL syndrome. Identifiers: Orphanet 892, MedGen C0019562, MONDO:0008667, OMIM 193300. Disease mechanism: loss of function.

Allele frequency attached by ClinVar (database versions not stated): 1000 Genomes Project 0.01278; 1000 Genomes Project 30x 0.01421; TOPMed 0.02031; gnomAD 0.02032 and 0.02083.
gnomAD v4.1: 3,070 of 152,210 alleles (2%); highest among the groups gnomAD compares: Admixed American, 3.5%; 49 homozygotes.

Submission:

Illumina Laboratory Services, Illumina
Classification: Benign for Von Hippel-Lindau syndrome. Last evaluated: 2018-01-13. Review status: criteria provided, single submitter. Criteria: ICSL Variant Classification Criteria 13 December 2019. Collection method: clinical testing. Allele origin: germline.
Comment: This variant was observed in the ICSL laboratory as part of a predisposition screen in an ostensibly healthy population. It had not been previously curated by ICSL or reported in the Human Gene Mutation Database (HGMD: prior to June 1st, 2018), and was therefore a candidate for classification through an automated scoring system. Utilizing variant allele frequency, disease prevalence and penetrance estimates, and inheritance mode, an automated score was calculated to assess if this variant is too frequent to cause the disease. Based on the score and internal cut-off values, a variant classified as benign is not then subjected to further curation. The score for this variant resulted in a classification of benign for this disease.